The following is an entry in ClinVar:

NM_004086.3(COCH):c.343T>C (p.Ser115Pro)

Genes: COCH (cochlin; plus strand), COCH-AS1 (COCH antisense RNA 1; minus strand). Cytogenetic location: 14q12.
Variant type: single nucleotide variant.
Coding change: c.343T>C on transcript NM_004086.3 (MANE Select); coding-DNA position 343, T replaced by C.
Protein change: p.Ser115Pro; replaces serine 115 with proline.
Molecular consequence: missense variant.
Genome position (GRCh38, 1-based): chr14:30,878,914, T>C. VCF-style: chr14-30878914-T-C. GRCh37 (hg19) VCF-style: chr14-31348120-T-C.
Other names: c.343T>C, p.Ser115Pro (NM_001135058.2); c.538T>C, p.Ser180Pro (NM_001347720.2); short protein forms S115P, S180P.
Identifiers: ClinVar variation 4709908 (VCV004709908.1).

ClinVar aggregate classification (germline): Uncertain significance (1 of 4 stars; one submission).

Submission:

Labcorp Genetics (formerly Invitae), Labcorp
Classification: Uncertain significance. Last evaluated: 2025-11-11. Review status: criteria provided, single submitter. Criteria: Invitae Variant Classification Sherloc (09022015). Collection method: clinical testing. Allele origin: germline.
Comment: This sequence change replaces serine, which is neutral and polar, with proline, which is neutral and non-polar, at codon 115 of the COCH protein (p.Ser115Pro). This variant is not present in population databases (gnomAD no frequency). This variant has not been reported in the literature in individuals affected with COCH-related conditions. Invitae Evidence Modeling of protein sequence and biophysical properties (such as structural, functional, and spatial information, amino acid conservation, physicochemical variation, residue mobility, and thermodynamic stability) indicates that this missense variant is not expected to disrupt COCH protein function with a negative predictive value of 95%. In summary, the available evidence is currently insufficient to determine the role of this variant in disease. Therefore, it has been classified as a Variant of Uncertain Significance.